The following is an entry in ClinVar:

NM_000540.3(RYR1):c.2160C>G (p.Leu720=)

Gene: RYR1 (ryanodine receptor 1; plus strand). Cytogenetic location: 19q13.2.
Variant type: single nucleotide variant.
Coding change: c.2160C>G on transcript NM_000540.3 (MANE Select); coding-DNA position 2160, C replaced by G.
Protein change: p.Leu720=; no amino-acid change (leucine 720 retained).
Molecular consequence: synonymous variant.
Genome position (GRCh38, 1-based): chr19:38,458,285, C>G. VCF-style: chr19-38458285-C-G. GRCh37 (hg19) VCF-style: chr19-38948925-C-G.
Other names: c.2160C>G, p.Leu720= (NM_001042723.2).
Identifiers: ClinVar variation 283872 (VCV000283872.62), dbSNP rs200914778, ClinGen allele CA062890.

ClinVar aggregate classification (germline): Conflicting classifications of pathogenicity. Review status: criteria provided, conflicting classifications (1 of 4 stars). 8 submissions from 7 submitters: Uncertain significance (4); Likely benign (3). 1 of the submissions does not count toward it. Last evaluated 2026-01-31.

Conditions:
RYR1-related disorder. Also called: RYR1-related disorders; RYR1-related condition. Identifiers: MedGen CN239331.
Malignant hyperthermia, susceptibility to, 1 (MHS1). Also called: Malignant hyperthermia suceptibility 1; Anesthesia related hyperthermia; Malignant hyperpyrexia; Fulminating hyperpyrexia; Pharmacogenic myopathy; RYR1-Related Malignant Hyperthermia Susceptibility. Identifiers: Orphanet 423, MedGen C2930980, MONDO:0007783, OMIM 145600.
Congenital multicore myopathy with external ophthalmoplegia (CMYO1B). Also called: MULTICORE MYOPATHY; Congenital myopathy 1B, autosomal recessive; Minicore myopathy; Minicore myopathy with external ophthalmoplegia; MULTIMINICORE DISEASE WITH EXTERNAL OPHTHALMOPLEGIA. Identifiers: Orphanet 598, Orphanet 98905, MedGen C1850674, MONDO:0009712, OMIM 255320, HP:0003789.

Allele frequency attached by ClinVar (database versions not stated): ExAC 0.00008; ESP Exome Variant Server 0.00008; gnomAD exomes 0.00009; gnomAD 0.00017 and 0.00019; TOPMed 0.00018.
gnomAD v4.1: 511 of 1,613,750 alleles (0.032%); highest among the groups gnomAD compares: Non-Finnish European, 0.041%; no homozygotes.

Submissions (8):

Labcorp Genetics (formerly Invitae), Labcorp
Classification: Likely benign for RYR1-related disorder. Last evaluated: 2026-01-31. Review status: criteria provided, single submitter. Criteria: Invitae Variant Classification Sherloc (09022015). Collection method: clinical testing. Allele origin: germline.

Blueprint Genetics
Classification: Likely benign. Last evaluated: 2024-03-11. Review status: criteria provided, single submitter. Criteria: ACMG Guidelines, 2015. Collection method: clinical testing. Allele origin: germline.

Color Diagnostics, LLC DBA Color Health
Classification: Likely benign for Malignant hyperthermia, susceptibility to, 1. Last evaluated: 2022-11-06. Review status: criteria provided, single submitter. Criteria: ACMG Guidelines, 2015. Collection method: clinical testing. Allele origin: germline.

Illumina Laboratory Services, Illumina
Classification: Uncertain significance for Congenital multicore myopathy with external ophthalmoplegia. Last evaluated: 2018-01-12. Review status: criteria provided, single submitter. Criteria: ICSL Variant Classification Criteria 13 December 2019. Collection method: clinical testing. Allele origin: germline.

Illumina Laboratory Services, Illumina
Classification: Uncertain significance for Malignant hyperthermia, susceptibility to, 1. Last evaluated: 2018-01-12. Review status: criteria provided, single submitter. Criteria: ICSL Variant Classification Criteria 13 December 2019. Collection method: clinical testing. Allele origin: germline.

CeGaT Center for Human Genetics Tuebingen
Classification: Uncertain significance. Last evaluated: 2016-06-01. Review status: criteria provided, single submitter. Criteria: CeGaT Center For Human Genetics Tuebingen Variant Classification Criteria Version 2. Collection method: clinical testing. Allele origin: germline. Affected: yes. Observed: 1 variant allele.

Eurofins Ntd Llc (ga)
Classification: Uncertain significance. Last evaluated: 2015-10-02. Review status: criteria provided, single submitter. Criteria: EGL Classification Definitions 2015. Collection method: clinical testing. Allele origin: germline. Observed: 1 variant allele, 1 heterozygote.

PreventionGenetics, part of Exact Sciences
Classification: Likely benign for RYR1-related condition. Last evaluated: 2020-02-19. Review status: no assertion criteria provided. Collection method: clinical testing. Allele origin: germline. Not counted in ClinVar's aggregate classification.
Comment: This variant is classified as likely benign based on ACMG/AMP sequence variant interpretation guidelines (Richards et al. 2015 PMID: 25741868, with internal and published modifications).